The following is an entry in ClinVar:

ClinVar aggregate classification (germline): Benign/Likely benign. Review status: criteria provided, multiple submitters, no conflicts (2 of 4 stars). 8 submissions from 8 submitters: Benign (3); Likely benign (3). 2 of the submissions do not count toward it. Last evaluated 2026-09-01.

Conditions:
Growth delay due to insulin-like growth factor I resistance. Also called: Somatomedin end-organ insensitivity to; Somatomedin-c resistance to; IGF-1 resistance; IGF-I RESISTANCE; Insulin-Like Growth Factor I Resistance. Identifiers: Orphanet 73273, MedGen C1849157, MONDO:0010038, OMIM 270450.

Allele frequency attached by ClinVar (database versions not stated): 1000 Genomes Project 30x 0.00187; 1000 Genomes Project 0.00200; ESP Exome Variant Server 0.00354; ExAC 0.00361; gnomAD 0.00361 and 0.00378; gnomAD exomes 0.00374; TOPMed 0.00387.
gnomAD v4.1: 7,443 of 1,614,144 alleles (0.46%); highest among the groups gnomAD compares: Admixed American, 0.53%; 29 homozygotes.

Submissions (8):

CeGaT Center for Human Genetics Tuebingen
Classification: Likely benign. Last evaluated: 2026-09-01. Review status: criteria provided, single submitter. Criteria: CeGaT Center For Human Genetics Tuebingen Variant Classification Criteria Version 2. Collection method: clinical testing. Allele origin: germline. Affected: yes. Observed: 18 variant alleles.
Comment: IGF1R: BP4, BP7, BS2

Women's Health and Genetics/Laboratory Corporation of America, LabCorp
Classification: Benign. Last evaluated: 2026-05-11. Review status: criteria provided, single submitter. Criteria: LabCorp Variant Classification Summary - May 2015. Collection method: clinical testing. Allele origin: germline.

Labcorp Genetics (formerly Invitae), Labcorp
Classification: Benign. Last evaluated: 2026-01-28. Review status: criteria provided, single submitter. Criteria: Invitae Variant Classification Sherloc (09022015). Collection method: clinical testing. Allele origin: germline.

Illumina Laboratory Services, Illumina
Classification: Likely benign for Growth delay due to insulin-like growth factor I resistance. Last evaluated: 2018-01-12. Review status: criteria provided, single submitter. Criteria: ICSL Variant Classification Criteria 13 December 2019. Collection method: clinical testing. Allele origin: germline.
Comment: This variant was observed in the ICSL laboratory as part of a predisposition screen in an ostensibly healthy population. It had not been previously curated by ICSL or reported in the Human Gene Mutation Database (HGMD: prior to June 1st, 2018), and was therefore a candidate for classification through an automated scoring system. Utilizing variant allele frequency, disease prevalence and penetrance estimates, and inheritance mode, an automated score was calculated to assess if this variant is too frequent to cause the disease. Based on the score and internal cut-off values, a variant classified as likely benign is not then subjected to further curation. The score for this variant resulted in a classification of likely benign for this disease.

Eurofins Ntd Llc (ga)
Classification: Benign. Last evaluated: 2015-08-20. Review status: criteria provided, single submitter. Criteria: EGL Classification Definitions 2015. Collection method: clinical testing. Allele origin: germline. Observed: 1 variant allele, 1 heterozygote.

Breakthrough Genomics
Classification: Likely benign. Review status: criteria provided, single submitter. Criteria: ACMG Guidelines, 2015. Collection method: not provided. Allele origin: germline. Inheritance: Autosomal dominant inheritance. Affected: yes.

Clinical Genetics DNA and cytogenetics Diagnostics Lab, Erasmus MC, Erasmus Medical Center
Classification: Likely benign. Review status: no assertion criteria provided. Collection method: clinical testing. Allele origin: germline. Affected: yes. Study: VKGL Data-share Consensus. Not counted in ClinVar's aggregate classification.

Laboratory of Diagnostic Genome Analysis, Leiden University Medical Center (LUMC)
Classification: Benign. Review status: no assertion criteria provided. Collection method: clinical testing. Allele origin: germline. Affected: yes. Study: VKGL Data-share Consensus. Not counted in ClinVar's aggregate classification.

NM_000875.5(IGF1R):c.1950G>T (p.Arg650=)

Gene: IGF1R (insulin like growth factor 1 receptor; plus strand). Cytogenetic location: 15q26.3.
Variant type: single nucleotide variant.
Coding change: c.1950G>T on transcript NM_000875.5 (MANE Select); coding-DNA position 1950, G replaced by T.
Protein change: p.Arg650=; no amino-acid change (arginine 650 retained).
Molecular consequence: synonymous variant.
Genome position (GRCh38, 1-based): chr15:98,916,085, G>T. VCF-style: chr15-98916085-G-T. GRCh37 (hg19) VCF-style: chr15-99459314-G-T.
Other names: c.1950G>T, p.Arg650= (NM_001291858.2).
Identifiers: ClinVar variation 282215 (VCV000282215.50), dbSNP rs56294552, ClinGen allele CA7752247.
Genomic context (GRCh38, chr15:98,916,085, plus strand): 5'-GTGGAACCCTCCCTCTCTGCCCAACGGCAACCTGAGTTACTACATTGTGCGCTGGCAGCG[G>T]CAGCCTCAGGACGGCTACCTTTACCGGCACAATTACTGCTCCAAAGGTAAGGGTGCAGCA-3'
Protein context (NP_000866.1, residues 640-660): NLSYYIVRWQ[Arg650=]QPQDGYLYRH